The following is an entry in ClinVar:

ClinVar aggregate classification (germline): Uncertain significance (1 of 4 stars; one submission).

Conditions:
Cardiovascular phenotype. Identifiers: MedGen CN230736.

Submission:

Ambry Genetics
Classification: Uncertain significance for Cardiovascular phenotype. Last evaluated: 2026-07-19. Review status: criteria provided, single submitter. Criteria: Ambry Variant Classification Scheme 2023. Collection method: clinical testing. Allele origin: germline.
Comment: The p.I187L variant (also known as c.559A>C), located in coding exon 4 of the FKBP14 gene, results from an A to C substitution at nucleotide position 559. The isoleucine at codon 187 is replaced by leucine, an amino acid with highly similar properties. This amino acid position is conserved. In addition, the in silico prediction for this alteration is inconclusive. Based on the available evidence, the clinical significance of this variant remains unclear.

NM_017946.4(FKBP14):c.559A>C (p.Ile187Leu)

Genes: FKBP14 (FKBP prolyl isomerase 14; minus strand), FKBP14-AS1 (FKBP14 antisense RNA 1; plus strand). Cytogenetic location: 7p14.3.
Variant type: single nucleotide variant.
Coding change: c.559A>C on transcript NM_017946.4 (MANE Select); coding-DNA position 559, A replaced by C.
Protein change: p.Ile187Leu; replaces isoleucine 187 with leucine.
Molecular consequence: missense variant. On other transcripts: non-coding transcript variant (2).
Genome position (GRCh38, 1-based): chr7:30,014,812, T>G on the plus strand (A>C on the coding strand, the complement: FKBP14 is on the minus strand). VCF-style: chr7-30014812-T-G. GRCh37 (hg19) VCF-style: chr7-30054428-T-G.
Other names: short protein forms I187L.
Identifiers: ClinVar variation 5021805 (VCV005021805.1).